The following is an entry in ClinVar:

ClinVar aggregate classification (germline): Benign (1 of 4 stars; one submission).

Allele frequency attached by ClinVar (database versions not stated): 1000 Genomes Project 0.02516; 1000 Genomes Project 30x 0.02686; gnomAD 0.03256 and 0.03454; TOPMed 0.03535; ESP Exome Variant Server 0.03767.
gnomAD v4.1: 33,259 of 1,280,674 alleles (2.6%); highest among the groups gnomAD compares: African/African-American, 6.8%; 652 homozygotes.

Submission:

GeneDx
Classification: Benign. Last evaluated: 2018-06-16. Review status: criteria provided, single submitter. Criteria: GeneDx Variant Classification (06012015). Collection method: clinical testing. Allele origin: germline. Affected: yes.
Comment: This variant is considered likely benign or benign based on one or more of the following criteria: it is a conservative change, it occurs at a poorly conserved position in the protein, it is predicted to be benign by multiple in silico algorithms, and/or has population frequency not consistent with disease.

NM_001286445.3(RIPOR2):c.447+63G>A

Gene: RIPOR2 (RHO family interacting cell polarization regulator 2; minus strand). Cytogenetic location: 6p22.3.
Variant type: single nucleotide variant.
Coding change: c.447+63G>A on transcript NM_001286445.3 (MANE Select); 63 bases into the intron after coding-DNA position 447, G replaced by A.
Molecular consequence: intron variant.
Genome position (GRCh38, 1-based): chr6:24,870,803, C>T on the plus strand (G>A on the coding strand, the complement: RIPOR2 is on the minus strand). VCF-style: chr6-24870803-C-T. GRCh37 (hg19) VCF-style: chr6-24871031-C-T.
Other names: c.360+63G>A (NM_001346031.2, NM_014722.5, NM_001346032.2 and 2 more transcripts); c.462+63G>A (NM_001286446.3).
Identifiers: ClinVar variation 682788 (VCV000682788.1), dbSNP rs112061020, ClinGen allele CA12385212.